The following is an entry in ClinVar:

ClinVar aggregate classification (germline): Uncertain significance. Review status: criteria provided, multiple submitters, no conflicts (2 of 4 stars). 3 submissions from 3 submitters: Uncertain significance (3). Last evaluated 2024-03-15.

Conditions:
Ataxia-telangiectasia-like disorder (ATLD). Identifiers: MedGen C1858391, MONDO:0011457.
Hereditary cancer-predisposing syndrome. Also called: Neoplastic Syndromes, Hereditary; Tumor predisposition; Hereditary Cancer Syndrome; Hereditary neoplastic syndrome. Identifiers: Orphanet 140162, MedGen C0027672, MeSH D009386, MONDO:0015356.
Ataxia-telangiectasia-like disorder 1 (ATLD1). Identifiers: Orphanet 251347, MedGen C4012790, MONDO:0024557, OMIM 604391.

Allele frequency attached by ClinVar (database versions not stated): TOPMed 0.00002.
gnomAD v4.1: 3 of 1,613,790 alleles (0.00019%); highest among the groups gnomAD compares: Admixed American, 0.0017%; no homozygotes.

Submissions (3):

Labcorp Genetics (formerly Invitae), Labcorp
Classification: Uncertain significance for Ataxia-telangiectasia-like disorder. Last evaluated: 2024-03-15. Review status: criteria provided, single submitter. Criteria: Invitae Variant Classification Sherloc (09022015). Collection method: clinical testing. Allele origin: germline.
Comment: This sequence change replaces alanine, which is neutral and non-polar, with valine, which is neutral and non-polar, at codon 492 of the MRE11 protein (p.Ala492Val). This variant is present in population databases (rs61749249, gnomAD 0.003%). This variant has not been reported in the literature in individuals affected with MRE11-related conditions. ClinVar contains an entry for this variant (Variation ID: 231931). An algorithm developed to predict the effect of missense changes on protein structure and function (PolyPhen-2) suggests that this variant is likely to be tolerated. In summary, the available evidence is currently insufficient to determine the role of this variant in disease. Therefore, it has been classified as a Variant of Uncertain Significance.

Baylor Genetics
Classification: Uncertain significance for Ataxia-telangiectasia-like disorder 1. Last evaluated: 2023-09-13. Review status: criteria provided, single submitter. Criteria: ACMG Guidelines, 2015. Collection method: clinical testing. Allele origin: unknown.

Ambry Genetics
Classification: Uncertain significance for Hereditary cancer-predisposing syndrome. Last evaluated: 2015-05-20. Review status: criteria provided, single submitter. Criteria: Ambry Variant Classification Scheme 2023. Collection method: clinical testing. Allele origin: germline.
Comment: The p.A492V variant (also known as c.1475C>T), located in coding exon 12 of the MRE11A gene, results from a C to T substitution at nucleotide position 1475. The alanine at codon 492 is replaced by valine, an amino acid with similar properties. This variant was not reported in population based cohorts in the following databases: Database of Single Nucleotide Polymorphisms (dbSNP), NHLBI Exome Sequencing Project (ESP), and 1000 Genomes Project. In the ESP, this variant was not observed in 6499 samples (12998 alleles) with coverage at this position. To date, this alteration has been detected with an allele frequency of approximately 0.002% (greater than 65000 alleles tested) in our clinical cohort. This amino acid position is well conserved in available vertebrate species. In addition, this alteration is predicted to be tolerated by in silico analysis. Since supporting evidence is limited at this time, the clinical significance of p.A492V remains unclear.

NM_005591.4(MRE11):c.1475C>T (p.Ala492Val)

Gene: MRE11 (MRE11 double strand break repair nuclease; minus strand). Cytogenetic location: 11q21.
Variant type: single nucleotide variant.
Coding change: c.1475C>T on transcript NM_005591.4 (MANE Select); coding-DNA position 1475, C replaced by T.
Protein change: p.Ala492Val; replaces alanine 492 with valine.
Molecular consequence: missense variant.
Genome position (GRCh38, 1-based): chr11:94,459,433, G>A on the plus strand (C>T on the coding strand, the complement: MRE11 is on the minus strand). VCF-style: chr11-94459433-G-A. GRCh37 (hg19) VCF-style: chr11-94192599-G-A.
Other names: c.1475C>T, p.Ala492Val (NM_001330347.2, NM_005590.4); short protein forms A492V.
Identifiers: ClinVar variation 231931 (VCV000231931.9), dbSNP rs61749249, ClinGen allele CA6235075.
Genomic context (GRCh38, chr11:94,459,433, plus strand): 5'-TTAAATAGACCTAGACACTCAAATTAGTTACTTACCTCCTCATCGATTTTGTCTTCGAGG[G>A]CATCAATATGACGTTCTTTAAGAAATCGCTGTGTTTTTTCCAACTGGTATTTCACTAATT-3'
Protein context (NP_005582.1, residues 482-502): QRFLKERHID[Ala492Val]LEDKIDEEVR